The following is an entry in ClinVar:

NM_000038.6(APC):c.1171A>C (p.Ile391Leu)

Gene: APC (APC regulator of Wnt signaling pathway; plus strand). Cytogenetic location: 5q22.2.
Variant type: single nucleotide variant.
Coding change: c.1171A>C on transcript NM_000038.6 (MANE Select); coding-DNA position 1171, A replaced by C.
Protein change: p.Ile391Leu; replaces isoleucine 391 with leucine.
Molecular consequence: missense variant. On other transcripts: non-coding transcript variant (2), intron variant (15).
Genome position (GRCh38, 1-based): chr5:112,819,203, A>C. VCF-style: chr5-112819203-A-C. GRCh37 (hg19) VCF-style: chr5-112154900-A-C.
Other names: c.1171A>C, p.Ile391Leu (NM_001127510.3, NM_001354895.2, NM_001354896.2 and 4 more transcripts); c.1117A>C, p.Ile373Leu (NM_001127511.3); c.1201A>C, p.Ile401Leu (NM_001354897.2, NM_001407446.1); c.1096A>C, p.Ile366Leu (NM_001354898.2, NM_001407451.1); c.1087A>C, p.Ile363Leu (NM_001354899.2, NM_001407452.1); c.994A>C, p.Ile332Leu (NM_001354900.2, NM_001354901.2, NM_001407453.1); c.322A>C, p.Ile108Leu (NM_001354906.2, NM_001407470.1); c.85-66A>C (NM_001407472.1, NM_001407471.1); and 5 more; short protein forms I108L, I332L, I363L, I366L, I373L, I391L, I401L.
Identifiers: ClinVar variation 2632728 (VCV002632728.3), dbSNP rs587781586, ClinGen allele CA16023869.
Genomic context (GRCh38, chr5:112,819,203, plus strand): 5'-GGAAATTCCCGGGGCAGTAAAGAGGCTCGGGCCAGGGCCAGTGCAGCACTCCACAACATC[A>C]TTCACTCACAGCCTGATGACAAGAGAGGCAGGCGTGAAATCCGAGTCCTTCATCTTTTGG-3'
Protein context (NP_000029.2, residues 381-401): ARASAALHNI[Ile391Leu]HSQPDDKRGR

ClinVar aggregate classification (germline): Uncertain significance. Review status: criteria provided, multiple submitters, no conflicts (2 of 4 stars). 3 submissions from 3 submitters: Uncertain significance (3). Last evaluated 2024-08-18.

Conditions:
Hereditary cancer-predisposing syndrome. Also called: Tumor predisposition; Neoplastic Syndromes, Hereditary; Hereditary neoplastic syndrome; Hereditary Cancer Syndrome. Identifiers: Orphanet 140162, MedGen C0027672, MeSH D009386, MONDO:0015356.
APC-related disorder. Also called: APC-related condition.
Classic or attenuated familial adenomatous polyposis. Identifiers: MedGen CN372698, MONDO:0021057.

Allele frequency attached by ClinVar (database versions not stated): gnomAD exomes below 0.00001.
gnomAD v4.1: 1 of 1,613,942 alleles (0.000062%); highest among the groups gnomAD compares: Non-Finnish European, 0.000085%; no homozygotes.

Submissions (3):

Ambry Genetics
Classification: Uncertain significance for Hereditary cancer-predisposing syndrome. Last evaluated: 2024-08-18. Review status: criteria provided, single submitter. Criteria: Ambry Variant Classification Scheme 2023. Collection method: clinical testing. Allele origin: germline.
Comment: The p.I391L variant (also known as c.1171A>C), located in coding exon 9 of the APC gene, results from an A to C substitution at nucleotide position 1171. The isoleucine at codon 391 is replaced by leucine, an amino acid with highly similar properties. This amino acid position is conserved. In addition, in silico predictors for this gene do not accurately predict pathogenicity. Based on the available evidence, the clinical significance of this variant remains unclear.

All of Us Research Program, National Institutes of Health
Classification: Uncertain significance for Classic or attenuated familial adenomatous polyposis. Last evaluated: 2023-10-02. Review status: criteria provided, single submitter. Criteria: ACMG Guidelines, 2015. Collection method: clinical testing. Allele origin: germline. Inheritance: Autosomal dominant inheritance. Observed: 2 variant alleles, 2 heterozygotes.
Comment: This missense variant replaces isoleucine with leucine at codon 391 of the APC protein. Computational prediction suggests that this variant may not impact protein structure and function (internally defined REVEL score threshold <= 0.5, PMID: 27666373). To our knowledge, functional studies have not been reported for this variant. This variant has not been reported in individuals affected with APC-related disorders in the literature. This variant has not been identified in the general population by the Genome Aggregation Database (gnomAD). The available evidence is insufficient to determine the role of this variant in disease conclusively. Therefore, this variant is classified as a Variant of Uncertain Significance.

This study involves interpretation of variants in research participants for the purpose of population health screening. Participant phenotype was not available at the time of variant classification. Additional details can be found in publication PMID: 35346344, PMCID: PMC8962531

PreventionGenetics, part of Exact Sciences
Classification: Uncertain significance for APC-related condition. Last evaluated: 2023-06-13. Review status: criteria provided, single submitter. Criteria: ACMG Guidelines, 2015. Collection method: clinical testing. Allele origin: germline.
Comment: The APC c.1171A>C variant is predicted to result in the amino acid substitution p.Ile391Leu. To our knowledge, this variant has not been reported in the literature or in a large population database, indicating this variant is rare. At this time, the clinical significance of this variant is uncertain due to the absence of conclusive functional and genetic evidence.